The following is an entry in ClinVar:

ClinVar aggregate classification (germline): Uncertain significance (1 of 4 stars; one submission).

Submission:

Labcorp Genetics (formerly Invitae), Labcorp
Classification: Uncertain significance. Last evaluated: 2025-02-15. Review status: criteria provided, single submitter. Criteria: Invitae Variant Classification Sherloc (09022015). Collection method: clinical testing. Allele origin: germline.
Comment: This sequence change replaces arginine, which is basic and polar, with leucine, which is neutral and non-polar, at codon 1142 of the SPTB protein (p.Arg1142Leu). This variant is present in population databases (no rsID available, gnomAD 0.0009%). This variant has not been reported in the literature in individuals affected with SPTB-related conditions. An algorithm developed to predict the effect of missense changes on protein structure and function (PolyPhen-2) suggests that this variant is likely to be disruptive. In summary, the available evidence is currently insufficient to determine the role of this variant in disease. Therefore, it has been classified as a Variant of Uncertain Significance.

NM_001355436.2(SPTB):c.3425G>T (p.Arg1142Leu)

Gene: SPTB (spectrin beta, erythrocytic; minus strand). Cytogenetic location: 14q23.3.
Variant type: single nucleotide variant.
Coding change: c.3425G>T on transcript NM_001355436.2 (MANE Select); coding-DNA position 3425, G replaced by T.
Protein change: p.Arg1142Leu; replaces arginine 1142 with leucine.
Molecular consequence: missense variant.
Genome position (GRCh38, 1-based): chr14:64,786,540, C>A on the plus strand (G>T on the coding strand, the complement: SPTB is on the minus strand). VCF-style: chr14-64786540-C-A. GRCh37 (hg19) VCF-style: chr14-65253258-C-A.
Other names: c.3425G>T, p.Arg1142Leu (NM_001024858.4, NM_001355437.2); short protein forms R1142L.
Identifiers: ClinVar variation 4763092 (VCV004763092.1).